The following is an entry in ClinVar:

ClinVar aggregate classification (germline): Uncertain significance (1 of 4 stars; one submission).

Conditions:
Intellectual disability, autosomal recessive 53 (NEDHSCA). Also called: GLYCOSYLPHOSPHATIDYLINOSITOL BIOSYNTHESIS DEFECT 13; Mental retardation, autosomal recessive 53; NEURODEVELOPMENTAL DISORDER WITH OR WITHOUT HYPOTONIA, SEIZURES, AND CEREBELLAR ATROPHY. Identifiers: Orphanet 488635, MedGen C4310794, MONDO:0014832, OMIM 616917.

Submission:

Labcorp Genetics (formerly Invitae), Labcorp
Classification: Uncertain significance for Intellectual disability, autosomal recessive 53. Last evaluated: 2021-05-27. Review status: criteria provided, single submitter. Criteria: Invitae Variant Classification Sherloc (09022015). Collection method: clinical testing. Allele origin: germline.
Comment: In summary, the available evidence is currently insufficient to determine the role of this variant in disease. Therefore, it has been classified as a Variant of Uncertain Significance. Nucleotide substitutions within the consensus splice site are a relatively common cause of aberrant splicing (PMID: 17576681, 9536098). Algorithms developed to predict the effect of sequence changes on RNA splicing suggest that this variant may disrupt the consensus splice site, but this prediction has not been confirmed by published transcriptional studies. This variant has not been reported in the literature in individuals with PIGG-related conditions. This variant is not present in population databases (ExAC no frequency). This sequence change affects codon 857 of the PIGG mRNA. It is a 'silent' change, meaning that it does not change the encoded amino acid sequence of the PIGG protein. This variant also falls at the last nucleotide of exon 11, which is part of the consensus splice site for this exon.

Literature cited by the submitters: PubMed 17576681; PubMed 9536098.

NM_001127178.3(PIGG):c.2571G>A (p.Gln857=)

Gene: PIGG (phosphatidylinositol glycan anchor biosynthesis class G (EMM blood group); plus strand). Cytogenetic location: 4p16.3.
Variant type: single nucleotide variant.
Coding change: c.2571G>A on transcript NM_001127178.3 (MANE Select); coding-DNA position 2571, G replaced by A.
Protein change: p.Gln857=; no amino-acid change (glutamine 857 retained).
Molecular consequence: synonymous variant. On other transcripts: non-coding transcript variant (6).
Genome position (GRCh38, 1-based): chr4:530,745, G>A. VCF-style: chr4-530745-G-A. GRCh37 (hg19) VCF-style: chr4-524534-G-A.
Other names: c.2304G>A, p.Gln768= (NM_001289051.2, NM_001345986.2); c.2172G>A, p.Gln724= (NM_001289052.2); c.2280G>A, p.Gln760= (NM_001345987.2); c.1542G>A, p.Gln514= (NM_001345988.2); c.1038G>A, p.Gln346= (NM_001345990.2, NM_001345991.2); c.1473G>A, p.Gln491= (NM_001345994.2); c.2547G>A, p.Gln849= (NM_017733.5).
Identifiers: ClinVar variation 1397649 (VCV001397649.6), dbSNP rs2109015681, ClinGen allele CA437896454.